The following is an entry in ClinVar:

ClinVar aggregate classification (germline): Uncertain significance. Review status: criteria provided, multiple submitters, no conflicts (2 of 4 stars). 2 submissions from 2 submitters: Uncertain significance (2). Last evaluated 2025-07-08.

Conditions:
Inborn genetic diseases. Identifiers: MedGen C0950123, MeSH D030342.
Maple syrup urine disease (MSUD). Identifiers: Orphanet 511, MedGen C0024776, MeSH D008375, MONDO:0009563. Disease mechanism: loss of function.

Allele frequency attached by ClinVar (database versions not stated): TOPMed 0.00002; gnomAD 0.00004.
gnomAD v4.1: 18 of 1,571,806 alleles (0.0011%); highest among the groups gnomAD compares: African/African-American, 0.0054%; no homozygotes.

Submissions (2):

Ambry Genetics
Classification: Uncertain significance for Inborn genetic diseases. Last evaluated: 2025-07-08. Review status: criteria provided, single submitter. Criteria: Ambry Variant Classification Scheme 2023. Collection method: clinical testing. Allele origin: germline.

Labcorp Genetics (formerly Invitae), Labcorp
Classification: Uncertain significance for Maple syrup urine disease. Last evaluated: 2024-10-22. Review status: criteria provided, single submitter. Criteria: Invitae Variant Classification Sherloc (09022015). Collection method: clinical testing. Allele origin: germline.
Comment: This sequence change replaces arginine, which is basic and polar, with cysteine, which is neutral and slightly polar, at codon 61 of the DBT protein (p.Arg61Cys). This variant is present in population databases (rs181239040, gnomAD 0.01%). This variant has not been reported in the literature in individuals affected with DBT-related conditions. ClinVar contains an entry for this variant (Variation ID: 2198432). Invitae Evidence Modeling of protein sequence and biophysical properties (such as structural, functional, and spatial information, amino acid conservation, physicochemical variation, residue mobility, and thermodynamic stability) indicates that this missense variant is not expected to disrupt DBT protein function with a negative predictive value of 95%. In summary, the available evidence is currently insufficient to determine the role of this variant in disease. Therefore, it has been classified as a Variant of Uncertain Significance.

NM_001918.5(DBT):c.181C>T (p.Arg61Cys)

Gene: DBT (dihydrolipoamide branched chain transacylase E2; minus strand). Cytogenetic location: 1p21.2.
Variant type: single nucleotide variant.
Coding change: c.181C>T on transcript NM_001918.5 (MANE Select); coding-DNA position 181, C replaced by T.
Protein change: p.Arg61Cys; replaces arginine 61 with cysteine.
Molecular consequence: missense variant. On other transcripts: 5 prime UTR variant (2), non-coding transcript variant (4).
Genome position (GRCh38, 1-based): chr1:100,235,506, G>A on the plus strand (C>T on the coding strand, the complement: DBT is on the minus strand). VCF-style: chr1-100235506-G-A. GRCh37 (hg19) VCF-style: chr1-100701062-G-A.
Other names: c.181C>T (NM_001918.2); c.-363C>T (NM_001399969.1, NM_001399972.1); short protein forms R61C.
Identifiers: ClinVar variation 2198432 (VCV002198432.3), dbSNP rs181239040, ClinGen allele CA969801.